The following is an entry in ClinVar:

ClinVar aggregate classification (germline): Uncertain significance (1 of 4 stars; one submission).

Submission:

Labcorp Genetics (formerly Invitae), Labcorp
Classification: Uncertain significance. Last evaluated: 2023-11-21. Review status: criteria provided, single submitter. Criteria: Invitae Variant Classification Sherloc (09022015). Collection method: clinical testing. Allele origin: germline.
Comment: This sequence change replaces phenylalanine, which is neutral and non-polar, with leucine, which is neutral and non-polar, at codon 1707 of the TRRAP protein (p.Phe1707Leu). This variant is not present in population databases (gnomAD no frequency). This variant has not been reported in the literature in individuals affected with TRRAP-related conditions. Advanced modeling of protein sequence and biophysical properties (such as structural, functional, and spatial information, amino acid conservation, physicochemical variation, residue mobility, and thermodynamic stability) performed at Invitae indicates that this missense variant is not expected to disrupt TRRAP protein function with a negative predictive value of 80%. In summary, the available evidence is currently insufficient to determine the role of this variant in disease. Therefore, it has been classified as a Variant of Uncertain Significance.

NM_001375524.1(TRRAP):c.5194T>C (p.Phe1732Leu)

Genes: TRRAP (transformation/transcription domain associated protein; plus strand), LOC126860121 (MED14-independent group 3 enhancer GRCh37_chr7:98547245-98548444; plus strand). Cytogenetic location: 7q22.1.
Variant type: single nucleotide variant.
Coding change: c.5194T>C on transcript NM_001375524.1 (MANE Select); coding-DNA position 5194, T replaced by C.
Protein change: p.Phe1732Leu; replaces phenylalanine 1732 with leucine.
Molecular consequence: missense variant.
Genome position (GRCh38, 1-based): chr7:98,950,122, T>C. VCF-style: chr7-98950122-T-C. GRCh37 (hg19) VCF-style: chr7-98547745-T-C.
Other names: c.5173T>C, p.Phe1725Leu (NM_001244580.2); c.5119T>C, p.Phe1707Leu (NM_003496.4); short protein forms F1707L, F1732L, F1725L.
Identifiers: ClinVar variation 2747236 (VCV002747236.3), dbSNP rs2484854857, ClinGen allele CA368316621.